The following is an entry in ClinVar:

NM_080669.6(SLC46A1):c.487G>A (p.Ala163Thr)

Gene: SLC46A1 (solute carrier family 46 member 1; minus strand). Cytogenetic location: 17q11.2.
Variant type: single nucleotide variant.
Coding change: c.487G>A on transcript NM_080669.6 (MANE Select); coding-DNA position 487, G replaced by A.
Protein change: p.Ala163Thr; replaces alanine 163 with threonine.
Molecular consequence: missense variant.
Genome position (GRCh38, 1-based): chr17:28,405,210, C>T on the plus strand (G>A on the coding strand, the complement: SLC46A1 is on the minus strand). VCF-style: chr17-28405210-C-T. GRCh37 (hg19) VCF-style: chr17-26732228-C-T.
Other names: c.487G>A, p.Ala163Thr (NM_001242366.3); short protein forms A163T.
Identifiers: ClinVar variation 3668991 (VCV003668991.2).
Genomic context (GRCh38, chr17:28,405,210, plus strand): 5'-GGGCCATCCGGAAGGTGCGGCTGCGACTGGAGCTGACATCTGCCACGGACGCAAAGCTAG[C>T]AGCCAGAAGGCCACCGAAGTCGCCGAGGAGGGCACAAAGGATGCGACCCAGCACGAAGTA-3'
Protein context (NP_542400.2, residues 153-173): LLGDFGGLLA[Ala163Thr]SFASVADVSS

ClinVar aggregate classification (germline): Uncertain significance (1 of 4 stars; one submission).

gnomAD v4.1: 10 of 1,600,434 alleles (0.00062%); highest among the groups gnomAD compares: South Asian, 0.0067%; no homozygotes.

Submission:

Labcorp Genetics (formerly Invitae), Labcorp
Classification: Uncertain significance. Last evaluated: 2025-01-27. Review status: criteria provided, single submitter. Criteria: Invitae Variant Classification Sherloc (09022015). Collection method: clinical testing. Allele origin: germline.
Comment: This sequence change replaces alanine, which is neutral and non-polar, with threonine, which is neutral and polar, at codon 163 of the SLC46A1 protein (p.Ala163Thr). The frequency data for this variant in the population databases is considered unreliable, as metrics indicate poor data quality at this position in the gnomAD database. This variant has not been reported in the literature in individuals affected with SLC46A1-related conditions. Invitae Evidence Modeling of protein sequence and biophysical properties (such as structural, functional, and spatial information, amino acid conservation, physicochemical variation, residue mobility, and thermodynamic stability) indicates that this missense variant is not expected to disrupt SLC46A1 protein function with a negative predictive value of 80%. In summary, the available evidence is currently insufficient to determine the role of this variant in disease. Therefore, it has been classified as a Variant of Uncertain Significance.